The following is an entry in ClinVar:

NM_024757.5(EHMT1):c.1575A>T (p.Glu525Asp)

Genes: EHMT1 (euchromatic histone lysine methyltransferase 1; plus strand), LOC130003148 (ATAC-STARR-seq lymphoblastoid active region 29369; plus strand). Cytogenetic location: 9q34.3.
Variant type: single nucleotide variant.
Coding change: c.1575A>T on transcript NM_024757.5 (MANE Select); coding-DNA position 1575, A replaced by T.
Protein change: p.Glu525Asp; replaces glutamic acid 525 with aspartic acid.
Molecular consequence: missense variant.
Genome position (GRCh38, 1-based): chr9:137,762,748, A>T. VCF-style: chr9-137762748-A-T. GRCh37 (hg19) VCF-style: chr9-140657200-A-T.
Other names: c.1575A>T, p.Glu525Asp (NM_001145527.2, NM_001354611.2); c.1482A>T, p.Glu494Asp (NM_001354259.2, NM_001354612.2); c.1554A>T, p.Glu518Asp (NM_001354263.2); short protein forms E518D, E494D, E525D.
Identifiers: ClinVar variation 4739911 (VCV004739911.2).

ClinVar aggregate classification (germline): Conflicting classifications of pathogenicity. Review status: criteria provided, conflicting classifications (1 of 4 stars). 2 submissions from 2 submitters: Uncertain significance (1); Likely benign (1). Last evaluated 2025-10-01.

Conditions:
Kleefstra syndrome 1 (KLEFS1). Identifiers: Orphanet 261494, MedGen C0795833, MONDO:0027407, OMIM 610253.

Submissions (2):

Labcorp Genetics (formerly Invitae), Labcorp
Classification: Likely benign for Kleefstra syndrome 1. Last evaluated: 2025-10-01. Review status: criteria provided, single submitter. Criteria: Invitae Variant Classification Sherloc (09022015). Collection method: clinical testing. Allele origin: germline.

GeneDx
Classification: Uncertain significance. Last evaluated: 2025-09-09. Review status: criteria provided, single submitter. Criteria: GeneDx Variant Classification Process June 2021. Collection method: clinical testing. Allele origin: germline. Affected: yes.
Comment: Not observed at significant frequency in large population cohorts (gnomAD); In silico analysis suggests that this missense variant does not alter protein structure/function; Has not been previously published as pathogenic or benign to our knowledge